The following is an entry in ClinVar:

NM_004304.5(ALK):c.3312del (p.Ile1105fs)

Gene: ALK (ALK receptor tyrosine kinase; minus strand). Cytogenetic location: 2p23.2.
Variant type: Deletion.
Coding change: c.3312del on transcript NM_004304.5 (MANE Select); coding-DNA position 3312, one base deleted (C; older notation c.3312delC).
Protein change: p.Ile1105fs; shifts the reading frame from isoleucine 1105.
Molecular consequence: frameshift variant.
Genome position (GRCh38, 1-based): chr2:29,223,389, G deleted on the plus strand (C on the coding strand, the reverse complement: ALK is on the minus strand); the first of 2 consecutive G bases (chr2:29,223,389-29,223,390); deleting either gives the same sequence. VCF-style (leftmost placement, unchanged base first): chr2-29223388-TG-T. GRCh37 (hg19) VCF-style: chr2-29446254-TG-T.
Other names: c.108del, p.Ile37fs (NM_001353765.2); short protein forms I1105fs, I37fs.
Identifiers: ClinVar variation 1730105 (VCV001730105.2), dbSNP rs2465955267, ClinGen allele CA2580066343.

ClinVar aggregate classification (germline): Uncertain significance (1 of 4 stars; one submission).

Conditions:
Hereditary cancer-predisposing syndrome. Also called: Neoplastic Syndromes, Hereditary; Tumor predisposition; Hereditary Cancer Syndrome; Hereditary neoplastic syndrome. Identifiers: Orphanet 140162, MedGen C0027672, MeSH D009386, MONDO:0015356.

Submission:

Ambry Genetics
Classification: Uncertain significance for Hereditary cancer-predisposing syndrome. Last evaluated: 2022-04-06. Review status: criteria provided, single submitter. Criteria: Ambry Variant Classification Scheme 2023. Collection method: clinical testing. Allele origin: germline.
Comment: The c.3312delC variant, located in coding exon 20 of the ALK gene, results from a deletion of one nucleotide at nucleotide position 3312, causing a translational frameshift with a predicted alternate stop codon (p.I1105Sfs*4). This alteration is expected to result in premature protein truncation or nonsense-mediated mRNA decay. However, loss of function of ALK has not been clearly established as a mechanism of disease. Since supporting evidence is limited at this time, the clinical significance of this alteration remains unclear.